The following is an entry in ClinVar:

ClinVar aggregate classification (germline): Uncertain significance (1 of 4 stars; one submission).

Conditions:
Inborn genetic diseases. Identifiers: MedGen C0950123, MeSH D030342.

gnomAD v4.1: 4 of 1,613,822 alleles (0.00025%); highest among the groups gnomAD compares: African/African-American, 0.0053%; no homozygotes.

Submission:

Ambry Genetics
Classification: Uncertain significance for Inborn genetic diseases. Last evaluated: 2026-01-09. Review status: criteria provided, single submitter. Criteria: Ambry Variant Classification Scheme 2023. Collection method: clinical testing. Allele origin: germline.
Comment: The c.157G>T (p.V53F) alteration is located in exon 2 (coding exon 1) of the HSPD1 gene. This alteration results from a G to T substitution at nucleotide position 157, causing the valine (V) at amino acid position 53 to be replaced by a phenylalanine (F). Based on data from gnomAD, the T allele has an overall frequency of <0.001% (1/251438) total alleles studied. The highest observed frequency was 0.006% (1/16244) of African alleles. Based on insufficient or conflicting evidence, the clinical significance of this alteration remains unclear.

NM_002156.5(HSPD1):c.157G>T (p.Val53Phe)

Gene: HSPD1 (heat shock protein family D (Hsp60) member 1; minus strand). Cytogenetic location: 2q33.1.
Variant type: single nucleotide variant.
Coding change: c.157G>T on transcript NM_002156.5 (MANE Select); coding-DNA position 157, G replaced by T.
Protein change: p.Val53Phe; replaces valine 53 with phenylalanine.
Molecular consequence: missense variant.
Genome position (GRCh38, 1-based): chr2:197,498,692, C>A on the plus strand (G>T on the coding strand, the complement: HSPD1 is on the minus strand). VCF-style: chr2-197498692-C-A. GRCh37 (hg19) VCF-style: chr2-198363416-C-A.
Other names: c.157G>T, p.Val53Phe (NM_199440.2); short protein forms V53F.
Identifiers: ClinVar variation 4839121 (VCV004839121.1).